The following is an entry in ClinVar:

ClinVar aggregate classification (germline): Uncertain significance. Review status: criteria provided, multiple submitters, no conflicts (2 of 4 stars). 4 submissions from 4 submitters: Uncertain significance (4). Last evaluated 2025-05-06.

Conditions:
Hereditary cancer-predisposing syndrome. Also called: Neoplastic Syndromes, Hereditary; Hereditary neoplastic syndrome; Hereditary Cancer Syndrome; Tumor predisposition. Identifiers: Orphanet 140162, MedGen C0027672, MeSH D009386, MONDO:0015356.
POLD1-related polyposis and colorectal cancer syndrome (CRCS10). Also called: Colorectal cancer, susceptibility to, 10; Colorectal cancer 10; COLORECTAL CANCER, SUSCEPTIBILITY TO, ON CHROMOSOME 19q. Identifiers: Orphanet 220460, MedGen C2675481, MONDO:0012953, OMIM 612591.

Allele frequency attached by ClinVar (database versions not stated): gnomAD exomes 0.00001; TOPMed 0.00001; ExAC 0.00002.
gnomAD v4.1: 18 of 1,599,060 alleles (0.0011%); highest among the groups gnomAD compares: South Asian, 0.0044%; no homozygotes.

Submissions (4):

Labcorp Genetics (formerly Invitae), Labcorp
Classification: Uncertain significance for POLD1-related polyposis and colorectal cancer syndrome. Last evaluated: 2025-05-06. Review status: criteria provided, single submitter. Criteria: Invitae Variant Classification Sherloc (09022015). Collection method: clinical testing. Allele origin: germline.
Comment: This sequence change replaces arginine, which is basic and polar, with histidine, which is basic and polar, at codon 311 of the POLD1 protein (p.Arg311His). This variant is present in population databases (rs777944185, gnomAD 0.005%). This missense change has been observed in individual(s) with colorectal cancer (PMID: 32567205). ClinVar contains an entry for this variant (Variation ID: 407951). Invitae Evidence Modeling of protein sequence and biophysical properties (such as structural, functional, and spatial information, amino acid conservation, physicochemical variation, residue mobility, and thermodynamic stability) indicates that this missense variant is expected to disrupt POLD1 protein function with a positive predictive value of 80%. In summary, the available evidence is currently insufficient to determine the role of this variant in disease. Therefore, it has been classified as a Variant of Uncertain Significance.

Baylor Genetics
Classification: Uncertain significance for POLD1-related polyposis and colorectal cancer syndrome. Last evaluated: 2024-03-15. Review status: criteria provided, single submitter. Criteria: ACMG Guidelines, 2015. Collection method: clinical testing. Allele origin: unknown.

Ambry Genetics
Classification: Uncertain significance for Hereditary cancer-predisposing syndrome. Last evaluated: 2024-02-23. Review status: criteria provided, single submitter. Criteria: Ambry Variant Classification Scheme 2023. Collection method: clinical testing. Allele origin: germline.
Comment: The p.R311H variant (also known as c.932G>A), located in coding exon 7 of the POLD1 gene, results from a G to A substitution at nucleotide position 932. The arginine at codon 311 is replaced by histidine, an amino acid with highly similar properties. This alteration was identified in two patients with colorectal cancer (Xu Y et al. Front Oncol, 2020 Sep;10:1603). (Siraj AK et al. Mol Genet Genomic Med, 2020 08;8:e1368). This alteration was reported as a somatic alteration in an ultra-mutated pancreatic adenocarcinoma in co-occurrence with POLE p.P286R. The authors note that POLD1 p.R311H is located in the functional exonuclease domain, but also observe that POLE p.P286R alone is sufficient to produce the observed ultra-mutated phenotype (Shinbrot E et al. Genome Res. 2014 Nov;24:1740-50). This amino acid position is well conserved in available vertebrate species. In addition, the in silico prediction for this alteration is inconclusive. Since supporting evidence is limited at this time, the clinical significance of this alteration remains unclear.

GeneDx
Classification: Uncertain significance. Last evaluated: 2023-01-13. Review status: criteria provided, single submitter. Criteria: GeneDx Variant Classification Process June 2021. Collection method: clinical testing. Allele origin: germline. Affected: yes.
Comment: Not observed at significant frequency in large population cohorts (gnomAD); In silico analysis supports that this missense variant has a deleterious effect on protein structure/function; Observed in individuals with colorectal cancer (Siraj et al., 2020; Xu et al., 2020); This variant is associated with the following publications: (PMID: 25228659, 31034466, 32567205, 20951805, 32984025)

Literature cited by the submitters: PubMed 32567205 (cited by Labcorp Genetics (formerly Invitae), Labcorp and Ambry Genetics); PubMed 25228659 (cited by Ambry Genetics); PubMed 32984025 (cited by Ambry Genetics).

NM_002691.4(POLD1):c.932G>A (p.Arg311His)

Gene: POLD1 (DNA polymerase delta 1, catalytic subunit; plus strand). Cytogenetic location: 19q13.33.
Variant type: single nucleotide variant.
Coding change: c.932G>A on transcript NM_002691.4 (MANE Select); coding-DNA position 932, G replaced by A.
Protein change: p.Arg311His; replaces arginine 311 with histidine.
Molecular consequence: missense variant. On other transcripts: non-coding transcript variant (1).
Genome position (GRCh38, 1-based): chr19:50,402,703, G>A. VCF-style: chr19-50402703-G-A. GRCh37 (hg19) VCF-style: chr19-50905960-G-A.
Other names: c.932G>A, p.Arg311His (NM_001256849.1, NM_001308632.1); short protein forms R311H.
Identifiers: ClinVar variation 407951 (VCV000407951.17), dbSNP rs777944185, ClinGen allele CA9595957.
Genomic context (GRCh38, chr19:50,402,703, plus strand): 5'-TGTGGTCTGACGTGGTCAGTCACCCACCGGAAGGGCCATGGCAGCGCATTGCGCCCTTGC[G>A]CGTGCTCAGCTTCGATATCGAGTGCGCCGGCCGCAAAGGTCTGTCCCCGGGCCCGGGCTC-3'
Protein context (NP_002682.2, residues 301-321): EGPWQRIAPL[Arg311His]VLSFDIECAG